The following is an entry in ClinVar:

ClinVar aggregate classification (germline): Uncertain significance. Review status: criteria provided, multiple submitters, no conflicts (2 of 4 stars). 2 submissions from 2 submitters: Uncertain significance (2). Last evaluated 2026-01-22.

Submissions (2):

Women's Health and Genetics/Laboratory Corporation of America, LabCorp
Classification: Uncertain significance. Last evaluated: 2026-01-22. Review status: criteria provided, single submitter. Criteria: LabCorp Variant Classification Summary - May 2015. Collection method: clinical testing. Allele origin: germline.

Labcorp Genetics (formerly Invitae), Labcorp
Classification: Uncertain significance. Last evaluated: 2023-11-15. Review status: criteria provided, single submitter. Criteria: Invitae Variant Classification Sherloc (09022015). Collection method: clinical testing. Allele origin: germline.
Comment: This sequence change replaces proline, which is neutral and non-polar, with leucine, which is neutral and non-polar, at codon 89 of the ARHGEF1 protein (p.Pro89Leu). This variant is not present in population databases (gnomAD no frequency). This variant has not been reported in the literature in individuals affected with ARHGEF1-related conditions. An algorithm developed to predict the effect of missense changes on protein structure and function (PolyPhen-2) suggests that this variant is likely to be disruptive. In summary, the available evidence is currently insufficient to determine the role of this variant in disease. Therefore, it has been classified as a Variant of Uncertain Significance.

NM_004706.4(ARHGEF1):c.221C>T (p.Pro74Leu)

Gene: ARHGEF1 (Rho guanine nucleotide exchange factor 1; plus strand). Cytogenetic location: 19q13.2.
Variant type: single nucleotide variant.
Coding change: c.221C>T on transcript NM_004706.4 (MANE Select); coding-DNA position 221, C replaced by T.
Protein change: p.Pro74Leu; replaces proline 74 with leucine.
Molecular consequence: missense variant. On other transcripts: non-coding transcript variant (2).
Genome position (GRCh38, 1-based): chr19:41,888,861, C>T. VCF-style: chr19-41888861-C-T. GRCh37 (hg19) VCF-style: chr19-42392932-C-T.
Other names: c.221C>T, p.Pro74Leu (NM_001396000.1, NM_001396002.1, NM_001396003.1 and 3 more transcripts); c.266C>T, p.Pro89Leu (NM_199002.2); short protein forms P74L, P89L.
Identifiers: ClinVar variation 2869943 (VCV002869943.4), dbSNP rs1258788713, ClinGen allele CA406044501.